The following is an entry in ClinVar:

ClinVar aggregate classification (germline): Uncertain significance (1 of 4 stars; one submission).

Conditions:
Capillary malformation-arteriovenous malformation syndrome. Also called: Capillary malformation-arteriovenous malformation. Identifiers: Orphanet 137667, MedGen C1842180, MONDO:0012016.

Submission:

Labcorp Genetics (formerly Invitae), Labcorp
Classification: Uncertain significance for Capillary malformation-arteriovenous malformation syndrome. Last evaluated: 2022-10-30. Review status: criteria provided, single submitter. Criteria: Invitae Variant Classification Sherloc (09022015). Collection method: clinical testing. Allele origin: germline.
Comment: In summary, the available evidence is currently insufficient to determine the role of this variant in disease. Therefore, it has been classified as a Variant of Uncertain Significance. Algorithms developed to predict the effect of sequence changes on RNA splicing suggest that this variant may disrupt the consensus splice site. This variant has not been reported in the literature in individuals affected with RASA1-related conditions. This variant is not present in population databases (gnomAD no frequency). This sequence change falls in intron 23 of the RASA1 gene. It does not directly change the encoded amino acid sequence of the RASA1 protein.

NM_002890.3(RASA1):c.2926-2_2927dup

Genes: CCNH (cyclin H; minus strand), RASA1 (RAS p21 protein activator 1; plus strand). Cytogenetic location: 5q14.3.
Variant type: Duplication.
Coding change: c.2926-2_2927dup on transcript NM_002890.3 (MANE Select); the canonical splice acceptor site of the intron before coding-DNA position 2926 through coding-DNA position 2927, 4 bases duplicated (AGAA; older notation c.2926-2_2927dupAGAA).
Molecular consequence: splice acceptor variant. On other transcripts: intron variant (1).
Genome position (GRCh38, 1-based): chr5:87,389,391-87,389,394, AGAA duplicated; duplicating any 4 consecutive bases within chr5:87,389,389-87,389,394 gives the same sequence; the c. name uses the placement nearest the transcript's 3' end. VCF-style (leftmost placement, unchanged base first): chr5-87389388-T-TAAAG. GRCh37 (hg19) VCF-style: chr5-86685205-T-TAAAG.
Other names: c.2395-2_2396dup (NM_022650.3); c.933+5652_933+5655dup (NM_001364075.2).
Identifiers: ClinVar variation 2810867 (VCV002810867.3), dbSNP rs2531395817, ClinGen allele CA2739274923.
Genomic context (GRCh38, chr5:87,389,388, plus strand): 5'-TCTCAAAAAAAACAAAAAAAAAGAAGATTTGTATTTCTAAATGCAATTTTACGATTCCCT[T>TAAAG]AAAGAATGTACCTGAACTTCCGGACACTACAGAGCATTCTAGAACGGACCTGTCCCGTGA-3'